The following is an entry in ClinVar:

NM_001166108.2(PALLD):c.*71A>G

Genes: CBR4 (carbonyl reductase 4; minus strand), PALLD (palladin, cytoskeletal associated protein; plus strand). Cytogenetic location: 4q32.3.
Variant type: single nucleotide variant.
Coding change: c.*71A>G on transcript NM_001166108.2 (MANE Select); 71 bases downstream of the stop codon, A replaced by G.
Molecular consequence: 3 prime UTR variant. On other transcripts: missense variant (4).
Genome position (GRCh38, 1-based): chr4:168,926,251, A>G. VCF-style: chr4-168926251-A-G. GRCh37 (hg19) VCF-style: chr4-169847402-A-G.
Other names: c.2200A>G, p.Lys734Glu (NM_001166109.2); c.1885A>G, p.Lys629Glu (NM_001166110.2); c.*71A>G (NM_001367567.1, NM_001367570.1, NM_016081.4); c.1276A>G, p.Lys426Glu (NM_001367568.1); c.1225A>G, p.Lys409Glu (NM_001367569.1); short protein forms K426E, K629E, K734E, K409E.
Identifiers: ClinVar variation 1437187 (VCV001437187.6), dbSNP rs2126617547, ClinGen allele CA358715777.

ClinVar aggregate classification (germline): Uncertain significance (1 of 4 stars; one submission).

Conditions:
Pancreatic adenocarcinoma. Identifiers: MedGen C0281361, MONDO:0006047, HP:0006725.

Submission:

Labcorp Genetics (formerly Invitae), Labcorp
Classification: Uncertain significance for Pancreatic adenocarcinoma. Last evaluated: 2021-11-15. Review status: criteria provided, single submitter. Criteria: Invitae Variant Classification Sherloc (09022015). Collection method: clinical testing. Allele origin: germline.
Comment: This sequence change replaces lysine, which is basic and polar, with glutamic acid, which is acidic and polar, at codon 629 of the PALLD protein (p.Lys629Glu). This variant is not present in population databases (gnomAD no frequency). This variant has not been reported in the literature in individuals affected with PALLD-related conditions. Algorithms developed to predict the effect of missense changes on protein structure and function are either unavailable or do not agree on the potential impact of this missense change (SIFT: "Deleterious"; PolyPhen-2: "Benign"; Align-GVGD: "Class C0"). In summary, the available evidence is currently insufficient to determine the role of this variant in disease. Therefore, it has been classified as a Variant of Uncertain Significance.